The following is an entry in ClinVar:

ClinVar aggregate classification (germline): Likely pathogenic. Review status: criteria provided, multiple submitters, no conflicts (2 of 4 stars). 3 submissions from 3 submitters: Likely pathogenic (2). 1 of the submissions does not count toward it. Last evaluated 2025-04-02.

Conditions:
Bardet-Biedl syndrome 4 (BBS4). Identifiers: Orphanet 110, MedGen C2936864, MONDO:0014433, OMIM 615982.
BBS4-related disorder. Also called: BBS4-related condition.
Bardet-Biedl syndrome (BBS). Identifiers: Orphanet 110, MedGen C0752166, MONDO:0015229.

Allele frequency attached by ClinVar (database versions not stated): gnomAD exomes below 0.00001; TOPMed below 0.00001.
gnomAD v4.1: 1 of 1,614,156 alleles (0.000062%); highest among the groups gnomAD compares: Non-Finnish European, 0.000085%; no homozygotes.

Submissions (3):

Labcorp Genetics (formerly Invitae), Labcorp
Classification: Likely pathogenic for Bardet-Biedl syndrome. Last evaluated: 2025-04-02. Review status: criteria provided, single submitter. Criteria: Invitae Variant Classification Sherloc (09022015). Collection method: clinical testing. Allele origin: germline.
Comment: This sequence change affects an acceptor splice site in intron 14 of the BBS4 gene. It is expected to disrupt RNA splicing. Variants that disrupt the donor or acceptor splice site typically lead to a loss of protein function (PMID: 16199547), and loss-of-function variants in BBS4 are known to be pathogenic (PMID: 11381270, 12016587, 20177705, 26355662, 27894351). This variant is not present in population databases (gnomAD no frequency). This variant has not been reported in the literature in individuals affected with BBS4-related conditions. ClinVar contains an entry for this variant (Variation ID: 3240892). Algorithms developed to predict the effect of sequence changes on RNA splicing suggest that this variant may disrupt the consensus splice site. In summary, the currently available evidence indicates that the variant is pathogenic, but additional data are needed to prove that conclusively. Therefore, this variant has been classified as Likely Pathogenic.

Baylor Genetics
Classification: Likely pathogenic for Bardet-Biedl syndrome 4. Last evaluated: 2024-01-11. Review status: criteria provided, single submitter. Criteria: ACMG Guidelines, 2015. Collection method: clinical testing. Allele origin: unknown.

PreventionGenetics, part of Exact Sciences
Classification: Likely pathogenic for BBS4-related condition. Last evaluated: 2024-01-18. Review status: no assertion criteria provided. Collection method: clinical testing. Allele origin: germline. Not counted in ClinVar's aggregate classification.
Comment: The BBS4 c.1249-2A>C variant is predicted to disrupt the AG splice acceptor site and interfere with normal splicing. To our knowledge, this variant has not been reported in the literature or in a large population database, indicating this variant is rare. Variants that disrupt the consensus splice acceptor site in BBS4 are expected to be pathogenic. This variant is interpreted as likely pathogenic.

Literature cited by the submitters: PubMed 16199547 (cited by Labcorp Genetics (formerly Invitae), Labcorp); PubMed 11381270 (cited by Labcorp Genetics (formerly Invitae), Labcorp); PubMed 12016587 (cited by Labcorp Genetics (formerly Invitae), Labcorp); PubMed 20177705 (cited by Labcorp Genetics (formerly Invitae), Labcorp); PubMed 26355662 (cited by Labcorp Genetics (formerly Invitae), Labcorp); PubMed 27894351 (cited by Labcorp Genetics (formerly Invitae), Labcorp).

NM_033028.5(BBS4):c.1249-2A>C

Gene: BBS4 (Bardet-Biedl syndrome 4; plus strand). Cytogenetic location: 15q24.1.
Variant type: single nucleotide variant.
Coding change: c.1249-2A>C on transcript NM_033028.5 (MANE Select); the canonical splice acceptor site of the intron before coding-DNA position 1249, A replaced by C.
Molecular consequence: splice acceptor variant.
Genome position (GRCh38, 1-based): chr15:72,736,760, A>C. VCF-style: chr15-72736760-A-C. GRCh37 (hg19) VCF-style: chr15-73029101-A-C.
Other names: c.1180-2A>C (NM_001320665.2); c.733-2A>C (NM_001252678.2); c.1249-2A>C (NM_033028.4).
Identifiers: ClinVar variation 3240892 (VCV003240892.3), dbSNP rs2065932114.